The following is an entry in ClinVar:

ClinVar aggregate classification (germline): Pathogenic. Review status: criteria provided, multiple submitters, no conflicts (2 of 4 stars). 2 submissions from 2 submitters: Pathogenic (2). Last evaluated 2019-11-20.

Conditions:
Congenital sideroblastic anemia-B-cell immunodeficiency-periodic fever-developmental delay syndrome. Also called: Sideroblastic anemia with B-cell immunodeficiency, periodic fevers, and developmental delay. Identifiers: Orphanet 369861, MedGen C4015172, MONDO:0014487, OMIM 616084.

Submissions (2):

Revvity Omics, Revvity
Classification: Pathogenic. Last evaluated: 2019-11-20. Review status: criteria provided, single submitter. Criteria: ACMG Guidelines, 2015. Collection method: clinical testing. Allele origin: germline.

Labcorp Genetics (formerly Invitae), Labcorp
Classification: Pathogenic for Congenital sideroblastic anemia-B-cell immunodeficiency-periodic fever-developmental delay syndrome. Last evaluated: 2018-10-17. Review status: criteria provided, single submitter. Criteria: Invitae Variant Classification Sherloc (09022015). Collection method: clinical testing. Allele origin: germline.
Comment: For these reasons, this variant has been classified as Pathogenic. Loss-of-function variants in TRNT1 are known to be pathogenic (PMID: 25193871). This variant has not been reported in the literature in individuals with TRNT1-related disease. This variant is not present in population databases (ExAC no frequency). This sequence change creates a premature translational stop signal (p.Ser289Hisfs*5) in the TRNT1 gene. It is expected to result in an absent or disrupted protein product.

Literature cited by the submitters: PubMed 25193871 (cited by Labcorp Genetics (formerly Invitae), Labcorp).

NM_182916.3(TRNT1):c.865del (p.Ser289fs)

Gene: TRNT1 (tRNA nucleotidyl transferase 1; plus strand). Cytogenetic location: 3p26.2.
Variant type: Deletion.
Coding change: c.865del on transcript NM_182916.3 (MANE Select); coding-DNA position 865, one base deleted (T; older notation c.865delT).
Protein change: p.Ser289fs; shifts the reading frame from serine 289.
Molecular consequence: frameshift variant. On other transcripts: non-coding transcript variant (8).
Genome position (GRCh38, 1-based): chr3:3,147,512, T deleted; the last of 5 consecutive T bases (chr3:3,147,508-3,147,512); deleting any one gives the same sequence. VCF-style (leftmost placement, unchanged base first): chr3-3147507-GT-G. GRCh37 (hg19) VCF-style: chr3-3189191-GT-G.
Other names: c.865del, p.Ser289fs (NM_001367322.1, NM_001367323.1, NM_001367321.1); c.805del, p.Ser269fs (NM_001302946.2); c.865delT (NM_182916.2); short protein forms S289fs, S269fs.
Identifiers: ClinVar variation 642460 (VCV000642460.9), dbSNP rs1575066836, ClinGen allele CA432114964.